The following is an entry in ClinVar:

ClinVar aggregate classification (germline): Uncertain significance (1 of 4 stars; one submission).

Conditions:
Familial thoracic aortic aneurysm and aortic dissection (TAAD). Also called: Thoracic aortic aneurysms and dissections. Identifiers: Orphanet 91387, MedGen C4707243, MONDO:0019625.

Submission:

Ambry Genetics
Classification: Uncertain significance for Familial thoracic aortic aneurysm and aortic dissection. Last evaluated: 2025-04-12. Review status: criteria provided, single submitter. Criteria: Ambry Variant Classification Scheme 2023. Collection method: clinical testing. Allele origin: germline.
Comment: The p.D345E variant (also known as c.1035T>A), located in coding exon 9 of the PRKG1 gene, results from a T to A substitution at nucleotide position 1035. The aspartic acid at codon 345 is replaced by glutamic acid, an amino acid with highly similar properties. This amino acid position is conserved. In addition, this alteration is predicted to be tolerated by in silico analysis. Based on the available evidence, the clinical significance of this variant remains unclear.

NM_006258.4(PRKG1):c.1035T>A (p.Asp345Glu)

Gene: PRKG1 (protein kinase cGMP-dependent 1; plus strand). Cytogenetic location: 10q21.1.
Variant type: single nucleotide variant.
Coding change: c.1035T>A on transcript NM_006258.4 (MANE Select); coding-DNA position 1035, T replaced by A.
Protein change: p.Asp345Glu; replaces aspartic acid 345 with glutamic acid.
Molecular consequence: missense variant. On other transcripts: 5 prime UTR variant (1).
Genome position (GRCh38, 1-based): chr10:52,161,922, T>A. VCF-style: chr10-52161922-T-A. GRCh37 (hg19) VCF-style: chr10-53921682-T-A.
Other names: c.990T>A, p.Asp330Glu (NM_001098512.3); c.-175T>A (NM_001374781.1); short protein forms D330E, D345E.
Identifiers: ClinVar variation 3938224 (VCV003938224.1).
Genomic context (GRCh38, chr10:52,161,922, plus strand): 5'-AATCACTGTGCTTTTTTCGTCTGACAGCTCTTTTAAACATTTGATTGGAGGGCTGGATGA[T>A]GTTTCTAATAAAGCATATGAAGATGCAGAAGCTAAAGCAAAGTAAGTGACTTTTTTCCTT-3'
Protein context (NP_006249.1, residues 335-355): SFKHLIGGLD[Asp345Glu]VSNKAYEDAE